The following is an entry in ClinVar:

ClinVar aggregate classification (germline): Conflicting classifications of pathogenicity. Review status: criteria provided, conflicting classifications (1 of 4 stars). 3 submissions from 3 submitters: Uncertain significance (2); Likely benign (1). Last evaluated 2024-02-27.

Conditions:
Cerebral arteriopathy, autosomal dominant, with subcortical infarcts and leukoencephalopathy, type 1 (CADASIL1). Also called: CADASIL 1; Cerebral arteriopathy with subcortical infarcts and leukoencephalopathy 1; DEMENTIA, HEREDITARY MULTIINFARCT TYPE; CASIL. Identifiers: Orphanet 136, MedGen C4551768, MONDO:0000914, OMIM 125310.

Allele frequency attached by ClinVar (database versions not stated): gnomAD exomes 0.00002 and 0.00004; ExAC 0.00004; gnomAD 0.00005 and 0.00006; TOPMed 0.00007; 1000 Genomes Project 30x 0.00016; 1000 Genomes Project 0.00020.
gnomAD v4.1: 35 of 1,612,708 alleles (0.0022%); highest among the groups gnomAD compares: East Asian, 0.018%; no homozygotes.

Submissions (3):

Institute of Human Genetics, University of Leipzig Medical Center
Classification: Uncertain significance for Cerebral arteriopathy, autosomal dominant, with subcortical infarcts and leukoencephalopathy, type 1. Last evaluated: 2024-02-27. Review status: criteria provided, single submitter. Criteria: ACMG Guidelines, 2015. Collection method: clinical testing. Allele origin: unknown. Affected: yes.
Comment: Criteria applied: PS4_SUP,PM2_SUP,PP2,PP3

Labcorp Genetics (formerly Invitae), Labcorp
Classification: Uncertain significance. Last evaluated: 2022-02-07. Review status: criteria provided, single submitter. Criteria: Invitae Variant Classification Sherloc (09022015). Collection method: clinical testing. Allele origin: germline.
Comment: Advanced modeling of protein sequence and biophysical properties (such as structural, functional, and spatial information, amino acid conservation, physicochemical variation, residue mobility, and thermodynamic stability) performed at Invitae indicates that this missense variant is expected to disrupt NOTCH3 protein function. ClinVar contains an entry for this variant (Variation ID: 447851). This missense change has been observed in individual(s) with clinical features of cerebral arteriopathy with subcortical infarcts and leukoencephalopathy (PMID: 30076350). This variant is present in population databases (rs544773641, gnomAD 0.02%). This sequence change replaces aspartic acid, which is acidic and polar, with asparagine, which is neutral and polar, at codon 158 of the NOTCH3 protein (p.Asp158Asn). In summary, the available evidence is currently insufficient to determine the role of this variant in disease. Therefore, it has been classified as a Variant of Uncertain Significance.

Athena Diagnostics
Classification: Likely benign. Last evaluated: 2017-04-17. Review status: criteria provided, single submitter. Criteria: Athena Diagnostics Criteria. Collection method: clinical testing. Allele origin: germline.

Literature cited by the submitters: PubMed 30076350 (cited by Labcorp Genetics (formerly Invitae), Labcorp).

NM_000435.3(NOTCH3):c.472G>A (p.Asp158Asn)

Gene: NOTCH3 (notch receptor 3; minus strand). Cytogenetic location: 19p13.12.
Variant type: single nucleotide variant.
Coding change: c.472G>A on transcript NM_000435.3 (MANE Select); coding-DNA position 472, G replaced by A.
Protein change: p.Asp158Asn; replaces aspartic acid 158 with asparagine.
Molecular consequence: missense variant.
Genome position (GRCh38, 1-based): chr19:15,192,167, C>T on the plus strand (G>A on the coding strand, the complement: NOTCH3 is on the minus strand). VCF-style: chr19-15192167-C-T. GRCh37 (hg19) VCF-style: chr19-15302978-C-T.
Other names: short protein forms D158N.
Identifiers: ClinVar variation 447851 (VCV000447851.9), dbSNP rs544773641, ClinGen allele CA9263877.